The following is an entry in ClinVar:

ClinVar aggregate classification (germline): Uncertain significance. Review status: criteria provided, multiple submitters, no conflicts (2 of 4 stars). 2 submissions from 2 submitters: Uncertain significance (2). Last evaluated 2025-10-02.

Conditions:
Inborn genetic diseases. Identifiers: MedGen C0950123, MeSH D030342.

Allele frequency attached by ClinVar (database versions not stated): TOPMed below 0.00001; gnomAD exomes 0.00001.

Submissions (2):

Ambry Genetics
Classification: Uncertain significance for Inborn genetic diseases. Last evaluated: 2025-10-02. Review status: criteria provided, single submitter. Criteria: Ambry Variant Classification Scheme 2023. Collection method: clinical testing. Allele origin: germline.

Labcorp Genetics (formerly Invitae), Labcorp
Classification: Uncertain significance. Last evaluated: 2022-07-26. Review status: criteria provided, single submitter. Criteria: Invitae Variant Classification Sherloc (09022015). Collection method: clinical testing. Allele origin: germline.
Comment: In summary, the available evidence is currently insufficient to determine the role of this variant in disease. Therefore, it has been classified as a Variant of Uncertain Significance. Algorithms developed to predict the effect of missense changes on protein structure and function (SIFT, PolyPhen-2, Align-GVGD) all suggest that this variant is likely to be disruptive. ClinVar contains an entry for this variant (Variation ID: 1500188). This variant has not been reported in the literature in individuals affected with NPR3-related conditions. The frequency data for this variant in the population databases is considered unreliable, as metrics indicate poor data quality at this position in the gnomAD database. This sequence change replaces arginine, which is basic and polar, with glutamine, which is neutral and polar, at codon 529 of the NPR3 protein (p.Arg529Gln).

NM_001204375.2(NPR3):c.1589G>A (p.Arg530Gln)

Gene: NPR3 (natriuretic peptide receptor 3; plus strand). Cytogenetic location: 5p13.3.
Variant type: single nucleotide variant.
Coding change: c.1589G>A on transcript NM_001204375.2 (MANE Select); coding-DNA position 1589, G replaced by A.
Protein change: p.Arg530Gln; replaces arginine 530 with glutamine.
Molecular consequence: missense variant.
Genome position (GRCh38, 1-based): chr5:32,786,308, G>A. VCF-style: chr5-32786308-G-A. GRCh37 (hg19) VCF-style: chr5-32786414-G-A.
Other names: c.1589G>A (NM_001204375.1); c.1586G>A, p.Arg529Gln (NM_000908.4); c.938G>A, p.Arg313Gln (NM_001204376.2); c.941G>A, p.Arg314Gln (NM_001363652.2); c.869G>A, p.Arg290Gln (NM_001364458.2); c.818G>A, p.Arg273Gln (NM_001364460.2); short protein forms R273Q, R529Q, R313Q, R530Q, R290Q, R314Q.
Identifiers: ClinVar variation 1500188 (VCV001500188.7), dbSNP rs1165329273, ClinGen allele CA359469501.